The following is an entry in ClinVar:

ClinVar aggregate classification (germline): Likely benign (1 of 4 stars; one submission).

Allele frequency attached by ClinVar (database versions not stated): 1000 Genomes Project 0.00080; 1000 Genomes Project 30x 0.00094; gnomAD 0.00283; TOPMed 0.00290; ESP Exome Variant Server 0.00354; ExAC 0.00361; gnomAD exomes 0.00401.
gnomAD v4.1: 6,290 of 1,613,006 alleles (0.39%); highest among the groups gnomAD compares: Non-Finnish European, 0.46%; 21 homozygotes.

Submission:

CeGaT Center for Human Genetics Tuebingen
Classification: Likely benign. Last evaluated: 2023-01-01. Review status: criteria provided, single submitter. Criteria: CeGaT Center For Human Genetics Tuebingen Variant Classification Criteria Version 2. Collection method: clinical testing. Allele origin: germline. Affected: yes. Observed: 1 variant allele.
Comment: HEBP2: BS2

NM_014320.3(HEBP2):c.427G>A (p.Asp143Asn)

Gene: HEBP2 (heme binding protein 2; plus strand). Cytogenetic location: 6q24.1.
Variant type: single nucleotide variant.
Coding change: c.427G>A on transcript NM_014320.3 (MANE Select); coding-DNA position 427, G replaced by A.
Protein change: p.Asp143Asn; replaces aspartic acid 143 with asparagine.
Molecular consequence: missense variant. On other transcripts: synonymous variant (1).
Genome position (GRCh38, 1-based): chr6:138,412,887, G>A. VCF-style: chr6-138412887-G-A. GRCh37 (hg19) VCF-style: chr6-138734024-G-A.
Other names: c.460G>A, p.Asp154Asn (NM_001326380.2); c.309G>A, p.Ser103= (NM_001326381.2); short protein forms D143N, D154N.
Identifiers: ClinVar variation 2656941 (VCV002656941.24), dbSNP rs118046755, ClinGen allele CA4022004.
Genomic context (GRCh38, chr6:138,412,887, plus strand): 5'-ACATTCACATCAGTATTAAAATCATTCACGGTTATTTCCTTTCTCCTTTGTAGGTCTTTC[G>A]ATGGATTTTCTAGTGCCCAAAAGAATCAAGAACAACTTTTGACATTAGCAAGCATTTTAA-3'
Protein context (NP_055135.1, residues 133-153): AEMTVFVRSF[Asp143Asn]GFSSAQKNQE